The following is an entry in ClinVar:

NM_020922.5(WNK3):c.2275G>A (p.Val759Ile)

Gene: WNK3 (WNK lysine deficient protein kinase 3; minus strand). Cytogenetic location: Xp11.22.
Variant type: single nucleotide variant.
Coding change: c.2275G>A on transcript NM_020922.5 (MANE Select); coding-DNA position 2275, G replaced by A.
Protein change: p.Val759Ile; replaces valine 759 with isoleucine.
Molecular consequence: missense variant.
Genome position (GRCh38, 1-based): chrX:54,254,051, C>T on the plus strand (G>A on the coding strand, the complement: WNK3 is on the minus strand). VCF-style: chrX-54254051-C-T. GRCh37 (hg19) VCF-style: chrX-54280484-C-T.
Other names: c.2275G>A, p.Val759Ile (NM_001002838.4, NM_001395166.1); short protein forms V759I.
Identifiers: ClinVar variation 2581955 (VCV002581955.1), dbSNP rs2520800992, ClinGen allele CA413355750.
Genomic context (GRCh38, chrX:54,254,051, plus strand): 5'-CATCAACATCAAACTTGAAGGTGACCATCTTGTTGTTGTGTGTCTCCAGCTGACACTCTA[C>T]CATGTTATCTCCAGAGGTTGATACCTGAGTACAAACATTTTACCGGTTTAAGAGTCAATC-3'
Protein context (NP_065973.2, residues 749-769): LQVSTSGDNM[Val759Ile]ECQLETHNNK

ClinVar aggregate classification (germline): Uncertain significance (1 of 4 stars; one submission).

Submission:

GeneDx
Classification: Uncertain significance. Last evaluated: 2023-03-27. Review status: criteria provided, single submitter. Criteria: GeneDx Variant Classification Process June 2021. Collection method: clinical testing. Allele origin: germline. Affected: yes.
Comment: Not observed at significant frequency in large population cohorts (gnomAD); In silico analysis supports that this missense variant does not alter protein structure/function; Has not been previously published as pathogenic or benign to our knowledge